The following is an entry in ClinVar:

ClinVar aggregate classification (germline): Uncertain significance. Review status: criteria provided, multiple submitters, no conflicts (2 of 4 stars). 3 submissions from 3 submitters: Uncertain significance (3). Last evaluated 2025-06-26.

Allele frequency attached by ClinVar (database versions not stated): 1000 Genomes Project 30x 0.00016.
gnomAD v4.1: 205 of 1,608,520 alleles (0.013%); highest among the groups gnomAD compares: East Asian, 0.45%; no homozygotes.

Submissions (3):

Women's Health and Genetics/Laboratory Corporation of America, LabCorp
Classification: Uncertain significance. Last evaluated: 2025-06-26. Review status: criteria provided, single submitter. Criteria: LabCorp Variant Classification Summary - May 2015. Collection method: clinical testing. Allele origin: germline.
Comment: Variant summary: NPPC c.182G>T (p.Gly61Val) results in a non-conservative amino acid change in the encoded protein sequence. Algorithms developed to predict the effect of missense changes on protein structure and function are either unavailable or do not agree on the potential impact of this missense change. The variant allele was found at a frequency of 6.5e-05 in 231850 control chromosomes. This frequency is not significantly higher than estimated for a pathogenic variant in NPPC causing Idiopathic Short Stature, allowing no conclusion about variant significance. To our knowledge, no occurrence of c.182G>T in individuals affected with Idiopathic Short Stature and no experimental evidence demonstrating its impact on protein function have been reported. ClinVar contains an entry for this variant (Variation ID: 2410562). Based on the evidence outlined above, the variant was classified as uncertain significance.

Labcorp Genetics (formerly Invitae), Labcorp
Classification: Uncertain significance. Last evaluated: 2024-02-09. Review status: criteria provided, single submitter. Criteria: Invitae Variant Classification Sherloc (09022015). Collection method: clinical testing. Allele origin: germline.
Comment: This sequence change replaces glycine, which is neutral and non-polar, with valine, which is neutral and non-polar, at codon 61 of the NPPC protein (p.Gly61Val). This variant is present in population databases (rs748278577, gnomAD 0.08%), and has an allele count higher than expected for a pathogenic variant. This variant has not been reported in the literature in individuals affected with NPPC-related conditions. ClinVar contains an entry for this variant (Variation ID: 2410562). An algorithm developed to predict the effect of missense changes on protein structure and function (PolyPhen-2) suggests that this variant is likely to be disruptive. In summary, the available evidence is currently insufficient to determine the role of this variant in disease. Therefore, it has been classified as a Variant of Uncertain Significance.

Ambry Genetics
Classification: Uncertain significance. Last evaluated: 2021-06-18. Review status: criteria provided, single submitter. Criteria: Ambry Variant Classification Scheme 2023. Collection method: clinical testing. Allele origin: germline.

NM_024409.4(NPPC):c.182G>T (p.Gly61Val)

Gene: NPPC (natriuretic peptide C; minus strand). Cytogenetic location: 2q37.1.
Variant type: single nucleotide variant.
Coding change: c.182G>T on transcript NM_024409.4 (MANE Select); coding-DNA position 182, G replaced by T.
Protein change: p.Gly61Val; replaces glycine 61 with valine.
Molecular consequence: missense variant.
Genome position (GRCh38, 1-based): chr2:231,925,624, C>A on the plus strand (G>T on the coding strand, the complement: NPPC is on the minus strand). VCF-style: chr2-231925624-C-A. GRCh37 (hg19) VCF-style: chr2-232790334-C-A.
Other names: short protein forms G61V.
Identifiers: ClinVar variation 2410562 (VCV002410562.5), dbSNP rs748278577, ClinGen allele CA2163632.